The following is an entry in ClinVar:

NM_001376.5(DYNC1H1):c.11851G>T (p.Val3951Phe)

Gene: DYNC1H1 (dynein cytoplasmic 1 heavy chain 1; plus strand). Cytogenetic location: 14q32.31.
Variant type: single nucleotide variant.
Coding change: c.11851G>T on transcript NM_001376.5 (MANE Select); coding-DNA position 11851, G replaced by T.
Protein change: p.Val3951Phe; replaces valine 3951 with phenylalanine.
Molecular consequence: missense variant.
Genome position (GRCh38, 1-based): chr14:102,040,396, G>T. VCF-style: chr14-102040396-G-T. GRCh37 (hg19) VCF-style: chr14-102506733-G-T.
Other names: short protein forms V3951F.
Identifiers: ClinVar variation 1494187 (VCV001494187.9), dbSNP rs2152595709, ClinGen allele CA391037086.

ClinVar aggregate classification (germline): Uncertain significance. Review status: criteria provided, multiple submitters, no conflicts (2 of 4 stars). 2 submissions from 2 submitters: Uncertain significance (2). Last evaluated 2021-09-08.

Conditions:
Autosomal dominant childhood-onset proximal spinal muscular atrophy without contractures. Also called: KUGELBERG-WELANDER SYNDROME, AUTOSOMAL DOMINANT; SPINAL MUSCULAR ATROPHY, JUVENILE, PROXIMAL, AUTOSOMAL DOMINANT; Spinal muscular atrophy, lower extremity-predominant 1, AD; SPINAL MUSCULAR ATROPHY, CHILDHOOD, PROXIMAL, AUTOSOMAL DOMINANT. Identifiers: Orphanet 209341, Orphanet 363447, MedGen C5780022, MONDO:0008026, OMIM 158600.
Charcot-Marie-Tooth disease axonal type 2O. Also called: Charcot-Marie-Tooth disease, axonal, type 20; CHARCOT-MARIE-TOOTH NEUROPATHY, AXONAL, TYPE 2O; CHARCOT-MARIE-TOOTH DISEASE, AXONAL, AUTOSOMAL DOMINANT, TYPE 2O; Charcot-Marie-Tooth Neuropathy Type 2O. Identifiers: Orphanet 284232, MedGen C3280220, MONDO:0013644, OMIM 614228.
Cortical dysplasia, complex, with other brain malformations 13. Also called: Intellectual disability, autosomal dominant 13. Identifiers: MedGen C3281202, MONDO:0013805, OMIM 614563.

Submissions (2):

Labcorp Genetics (formerly Invitae), Labcorp
Classification: Uncertain significance for Charcot-Marie-Tooth disease axonal type 2O. Last evaluated: 2021-09-08. Review status: criteria provided, single submitter. Criteria: Invitae Variant Classification Sherloc (09022015). Collection method: clinical testing. Allele origin: germline.
Comment: In summary, the available evidence is currently insufficient to determine the role of this variant in disease. Therefore, it has been classified as a Variant of Uncertain Significance. Advanced modeling of protein sequence and biophysical properties (such as structural, functional, and spatial information, amino acid conservation, physicochemical variation, residue mobility, and thermodynamic stability) performed at Invitae indicates that this missense variant is not expected to disrupt DYNC1H1 protein function. This variant has not been reported in the literature in individuals affected with DYNC1H1-related conditions. This variant is not present in population databases (ExAC no frequency). This sequence change replaces valine with phenylalanine at codon 3951 of the DYNC1H1 protein (p.Val3951Phe). The valine residue is highly conserved and there is a small physicochemical difference between valine and phenylalanine.

Center for Genomics, Ann and Robert H. Lurie Children's Hospital of Chicago
Classification: Uncertain significance for Charcot-Marie-Tooth disease axonal type 2O; Autosomal dominant childhood-onset proximal spinal muscular atrophy without contractures; Cortical dysplasia, complex, with other brain malformations 13. Review status: criteria provided, single submitter. Criteria: ACMG Guidelines, 2015. Collection method: clinical testing. Allele origin: germline.
Comment: This variant has not been reported in the literature and is not present in large control databases. Evolutionary conservation suggests that this variant may impact the protein; computational predictive tools for this variant are unclear. Of note, another variant at this position (p.Val3951Ala) has been identified as de novo in 1 fetus with brain lesions supporting the potential functional relevance of this codon. In summary, data on this variant is insufficient for disease classification. Therefore, the clinical significance of this variant is uncertain.